The following is an entry in ClinVar:

ClinVar aggregate classification (germline): Uncertain significance. Review status: criteria provided, multiple submitters, no conflicts (2 of 4 stars). 2 submissions from 2 submitters: Uncertain significance (2). Last evaluated 2024-01-10.

Conditions:
Inborn genetic diseases. Identifiers: MedGen C0950123, MeSH D030342.
Autosomal dominant Parkinson disease 8. Also called: Parkinson disease 8, susceptibility to; LRRK2-Related Parkinson Disease; Parkinson disease 8. Identifiers: Orphanet 411602, MedGen C1846862, MONDO:0011764, OMIM 607060.

Allele frequency attached by ClinVar (database versions not stated): ExAC 0.00001; gnomAD exomes 0.00001.
gnomAD v4.1: 4 of 1,613,286 alleles (0.00025%); highest among the groups gnomAD compares: Admixed American, 0.005%; no homozygotes.

Submissions (2):

Fulgent Genetics
Classification: Uncertain significance for Autosomal dominant Parkinson disease 8. Last evaluated: 2024-01-10. Review status: criteria provided, single submitter. Criteria: ACMG Guidelines, 2015. Collection method: clinical testing. Allele origin: germline.

Ambry Genetics
Classification: Uncertain significance for Inborn genetic diseases. Last evaluated: 2021-09-01. Review status: criteria provided, single submitter. Criteria: Ambry Variant Classification Scheme 2023. Collection method: clinical testing. Allele origin: germline.
Comment: The p.M968V variant (also known as c.2902A>G), located in coding exon 23 of the LRRK2 gene, results from an A to G substitution at nucleotide position 2902. The methionine at codon 968 is replaced by valine, an amino acid with highly similar properties. This amino acid position is conserved. In addition, this alteration is predicted to be tolerated by in silico analysis. Since supporting evidence is limited at this time, the clinical significance of this alteration remains unclear.

NM_198578.4(LRRK2):c.2902A>G (p.Met968Val)

Gene: LRRK2 (leucine rich repeat kinase 2; plus strand). Cytogenetic location: 12q12.
Variant type: single nucleotide variant.
Coding change: c.2902A>G on transcript NM_198578.4 (MANE Select); coding-DNA position 2902, A replaced by G.
Protein change: p.Met968Val; replaces methionine 968 with valine.
Molecular consequence: missense variant.
Genome position (GRCh38, 1-based): chr12:40,295,450, A>G. VCF-style: chr12-40295450-A-G. GRCh37 (hg19) VCF-style: chr12-40689252-A-G.
Other names: short protein forms M968V.
Identifiers: ClinVar variation 1797468 (VCV001797468.3), dbSNP rs767471351, ClinGen allele CA6513783.